The following is an entry in ClinVar:

ClinVar aggregate classification (germline): Uncertain significance (1 of 4 stars; one submission).

Allele frequency attached by ClinVar (database versions not stated): gnomAD exomes 0.00001; ExAC 0.00002.
gnomAD v4.1: 7 of 1,613,930 alleles (0.00043%); highest among the groups gnomAD compares: South Asian, 0.0077%; no homozygotes.

Submission:

Genetic Services Laboratory, University of Chicago
Classification: Uncertain significance. Last evaluated: 2020-08-13. Review status: criteria provided, single submitter. Criteria: ACMG Guidelines, 2015. Collection method: clinical testing. Allele origin: germline. Affected: no.
Comment: The sequence change, c.8326A>C, results in an amino acid change, p.Ile2776Leu. This sequence change does not appear to have been previously described in patients with FAT4-related disorders and been described in the gnomAD database with a low population frequency of 0.0098% in the South Asian subpopulation (dbSNP rs773858750). The p.Ile2776Leu change affects a highly conserved amino acid residue located in a domain of the FAT4 protein that is not known to be functional. In-silico pathogenicity prediction tools (SIFT, PolyPhen2, Align GVGD, REVEL) provide contradictory results for the p.Ile2776Leu substitution. Due to these contrasting evidences and the lack of functional studies, the clinical significance of the p.Ile2776Leu change remains unknown at this time.

NM_001291303.3(FAT4):c.8332A>C (p.Ile2778Leu)

Gene: FAT4 (FAT atypical cadherin 4; plus strand). Cytogenetic location: 4q28.1.
Variant type: single nucleotide variant.
Coding change: c.8332A>C on transcript NM_001291303.3 (MANE Select); coding-DNA position 8332, A replaced by C.
Protein change: p.Ile2778Leu; replaces isoleucine 2778 with leucine.
Molecular consequence: missense variant.
Genome position (GRCh38, 1-based): chr4:125,449,342, A>C. VCF-style: chr4-125449342-A-C. GRCh37 (hg19) VCF-style: chr4-126370497-A-C.
Other names: c.8332A>C, p.Ile2778Leu (NM_001291285.3); c.8326A>C, p.Ile2776Leu (NM_024582.6); short protein forms I2776L, I2778L.
Identifiers: ClinVar variation 1337702 (VCV001337702.4), dbSNP rs773858750, ClinGen allele CA3073348.